The following is an entry in ClinVar:

ClinVar aggregate classification (germline): Uncertain significance (1 of 4 stars; one submission).

Conditions:
Myofibrillar myopathy 5. Also called: FILAMINOPATHY, AUTOSOMAL DOMINANT; Filaminopathy (type). Identifiers: Orphanet 171445, MedGen C1836050, MONDO:0012289, OMIM 609524.
Hypertrophic cardiomyopathy 26. Also called: Cardiomyopathy, familial hypertrophic, 26. Identifiers: Orphanet 75249, MedGen C4310749, MONDO:0014883, OMIM 617047.
Distal myopathy with posterior leg and anterior hand involvement. Also called: WILLIAMS DISTAL MYOPATHY. Identifiers: Orphanet 63273, MedGen C3279722, MONDO:0013550, OMIM 614065.

Submission:

Labcorp Genetics (formerly Invitae), Labcorp
Classification: Uncertain significance for Distal myopathy with posterior leg and anterior hand involvement; Myofibrillar myopathy 5; Hypertrophic cardiomyopathy 26. Last evaluated: 2024-02-01. Review status: criteria provided, single submitter. Criteria: Invitae Variant Classification Sherloc (09022015). Collection method: clinical testing. Allele origin: germline.
Comment: This sequence change affects codon 2120 of the FLNC mRNA. It is a 'silent' change, meaning that it does not change the encoded amino acid sequence of the FLNC protein. It affects a nucleotide within the consensus splice site. This variant is not present in population databases (gnomAD no frequency). This variant has not been reported in the literature in individuals affected with FLNC-related conditions. Algorithms developed to predict the effect of sequence changes on RNA splicing suggest that this variant is not likely to affect RNA splicing. In summary, the available evidence is currently insufficient to determine the role of this variant in disease. Therefore, it has been classified as a Variant of Uncertain Significance.

NM_001458.5(FLNC):c.6360T>C (p.Pro2120=)

Genes: FLNC-AS1 (FLNC antisense RNA 1; minus strand), FLNC (filamin C; plus strand). Cytogenetic location: 7q32.1.
Variant type: single nucleotide variant.
Coding change: c.6360T>C on transcript NM_001458.5 (MANE Select); coding-DNA position 6360, T replaced by C.
Protein change: p.Pro2120=; no amino-acid change (proline 2120 retained).
Molecular consequence: synonymous variant.
Genome position (GRCh38, 1-based): chr7:128,853,620, T>C. VCF-style: chr7-128853620-T-C. GRCh37 (hg19) VCF-style: chr7-128493674-T-C.
Other names: c.6261T>C, p.Pro2087= (NM_001127487.2).
Identifiers: ClinVar variation 2921832 (VCV002921832.3), dbSNP rs2536662427, ClinGen allele CA457586702.